The following is an entry in ClinVar:

NM_005732.4(RAD50):c.3179T>A (p.Leu1060Ter)

Gene: RAD50 (RAD50 double strand break repair protein; plus strand). Cytogenetic location: 5q31.1.
Variant type: single nucleotide variant.
Coding change: c.3179T>A on transcript NM_005732.4 (MANE Select); coding-DNA position 3179, T replaced by A.
Protein change: p.Leu1060Ter; replaces leucine 1060 with a stop codon.
Molecular consequence: nonsense.
Genome position (GRCh38, 1-based): chr5:132,618,084, T>A. VCF-style: chr5-132618084-T-A. GRCh37 (hg19) VCF-style: chr5-131953776-T-A.
Other names: short protein forms L1060*.
Identifiers: ClinVar variation 823095 (VCV000823095.4), dbSNP rs1554099864, ClinGen allele CA360964226.

ClinVar aggregate classification (germline): Pathogenic (1 of 4 stars; one submission).

Conditions:
Hereditary cancer-predisposing syndrome. Also called: Tumor predisposition; Hereditary Cancer Syndrome; Neoplastic Syndromes, Hereditary; Hereditary neoplastic syndrome. Identifiers: Orphanet 140162, MedGen C0027672, MeSH D009386, MONDO:0015356.

Submission:

Ambry Genetics
Classification: Pathogenic for Hereditary cancer-predisposing syndrome. Last evaluated: 2019-12-03. Review status: criteria provided, single submitter. Criteria: Ambry Variant Classification Scheme 2023. Collection method: clinical testing. Allele origin: germline.
Comment: The p.L1060* pathogenic mutation (also known as c.3179T>A), located in coding exon 21 of the RAD50 gene, results from a T to A substitution at nucleotide position 3179. This changes the amino acid from a leucine to a stop codon within coding exon 21. This alteration is expected to result in loss of function by premature protein truncation or nonsense-mediated mRNA decay. As such, this alteration is interpreted as a disease-causing mutation.